The following is an entry in ClinVar:

ClinVar aggregate classification (germline): Uncertain significance (1 of 4 stars; one submission).

Conditions:
Carnitine palmitoyltransferase II deficiency. Also called: Carnitine Palmitoyltransferase 2 Deficiency. Identifiers: Orphanet 157, MedGen C0342790, MONDO:0015515.

Submission:

Labcorp Genetics (formerly Invitae), Labcorp
Classification: Uncertain significance for Carnitine palmitoyltransferase II deficiency. Last evaluated: 2024-08-12. Review status: criteria provided, single submitter. Criteria: Invitae Variant Classification Sherloc (09022015). Collection method: clinical testing. Allele origin: germline.
Comment: This sequence change replaces glycine, which is neutral and non-polar, with aspartic acid, which is acidic and polar, at codon 601 of the CPT2 protein (p.Gly601Asp). This variant is not present in population databases (gnomAD no frequency). This variant has not been reported in the literature in individuals affected with CPT2-related conditions. ClinVar contains an entry for this variant (Variation ID: 1970560). Advanced modeling of protein sequence and biophysical properties (such as structural, functional, and spatial information, amino acid conservation, physicochemical variation, residue mobility, and thermodynamic stability) performed at Invitae indicates that this missense variant is expected to disrupt CPT2 protein function with a positive predictive value of 80%. In summary, the available evidence is currently insufficient to determine the role of this variant in disease. Therefore, it has been classified as a Variant of Uncertain Significance.

NM_000098.3(CPT2):c.1802G>A (p.Gly601Asp)

Gene: CPT2 (carnitine palmitoyltransferase 2; plus strand). Cytogenetic location: 1p32.3.
Variant type: single nucleotide variant.
Coding change: c.1802G>A on transcript NM_000098.3 (MANE Select); coding-DNA position 1802, G replaced by A.
Protein change: p.Gly601Asp; replaces glycine 601 with aspartic acid.
Molecular consequence: missense variant.
Genome position (GRCh38, 1-based): chr1:53,213,420, G>A. VCF-style: chr1-53213420-G-A. GRCh37 (hg19) VCF-style: chr1-53679092-G-A.
Other names: c.1733G>A, p.Gly578Asp (NM_001330589.2); short protein forms G601D, G578D.
Identifiers: ClinVar variation 1970560 (VCV001970560.5), dbSNP rs2100278707, ClinGen allele CA340397683.